The following is an entry in ClinVar:

NM_020964.3(EPG5):c.4952+4A>G

Gene: EPG5 (ectopic P-granules 5 autophagy tethering factor; minus strand). Cytogenetic location: 18q12.3.
Variant type: single nucleotide variant.
Coding change: c.4952+4A>G on transcript NM_020964.3 (MANE Select); 4 bases into the intron after coding-DNA position 4952, A replaced by G.
Molecular consequence: intron variant.
Genome position (GRCh38, 1-based): chr18:45,889,794, T>C on the plus strand (A>G on the coding strand, the complement: EPG5 is on the minus strand). VCF-style: chr18-45889794-T-C. GRCh37 (hg19) VCF-style: chr18-43469759-T-C.
Other names: c.4952+4A>G (NM_001410858.1, NM_001410859.1).
Identifiers: ClinVar variation 2720967 (VCV002720967.3), dbSNP rs2511639976, ClinGen allele CA2641627896.
Genomic context (GRCh38, chr18:45,889,794, plus strand): 5'-CATGTATGATTACTATTCATGATAACAAAACAGTATTTCAAATTATAATGCCTGCAAAAC[T>C]TACGTGATCAAGTTTTCTGCATGTACAGCAGCTTCCACAATATTAAGTGATGGTGGTTTA-3'

ClinVar aggregate classification (germline): Uncertain significance (1 of 4 stars; one submission).

Conditions:
Vici syndrome (VICIS). Identifiers: Orphanet 1493, MedGen C1855772, MONDO:0009452, OMIM 242840.

Allele frequency attached by ClinVar (database versions not stated): gnomAD exomes below 0.00001.
gnomAD v4.1: 2 of 1,598,816 alleles (0.00013%); highest among the groups gnomAD compares: South Asian, 0.0023%; no homozygotes.

Submission:

Labcorp Genetics (formerly Invitae), Labcorp
Classification: Uncertain significance for Vici syndrome. Last evaluated: 2023-03-29. Review status: criteria provided, single submitter. Criteria: Invitae Variant Classification Sherloc (09022015). Collection method: clinical testing. Allele origin: germline.
Comment: This variant has not been reported in the literature in individuals affected with EPG5-related conditions. In summary, the available evidence is currently insufficient to determine the role of this variant in disease. Therefore, it has been classified as a Variant of Uncertain Significance. Variants that disrupt the consensus splice site are a relatively common cause of aberrant splicing (PMID: 17576681, 9536098). Algorithms developed to predict the effect of sequence changes on RNA splicing suggest that this variant is not likely to affect RNA splicing. This variant is not present in population databases (gnomAD no frequency). This sequence change falls in intron 28 of the EPG5 gene. It does not directly change the encoded amino acid sequence of the EPG5 protein. It affects a nucleotide within the consensus splice site.

Literature cited by the submitters: PubMed 17576681; PubMed 9536098.